The following is an entry in ClinVar:

ClinVar aggregate classification (germline): Conflicting classifications of pathogenicity. Review status: criteria provided, conflicting classifications (1 of 4 stars). 5 submissions from 5 submitters: Uncertain significance (1); Likely benign (4). Last evaluated 2025-10-14.

Conditions:
Charcot-Marie-Tooth disease type 4. Also called: Charcot-Marie-Tooth disease, type IV; Charcot-Marie-Tooth, Type 4. Identifiers: Orphanet 64749, MedGen C4082197, MONDO:0018995.
Inborn genetic diseases. Identifiers: MedGen C0950123, MeSH D030342.
PRX-related disorder. Also called: PRX-Related Disorders; PRX-related condition.
Charcot-Marie-Tooth disease. Also called: Charcot-Marie-Tooth Hereditary Neuropathy; Charcot-Marie-Tooth Neuropathy. Identifiers: Orphanet 166, MedGen C0007959, MONDO:0015626.

Allele frequency attached by ClinVar (database versions not stated): gnomAD exomes 0.00008 and 0.00016; gnomAD 0.00009 and 0.00011; TOPMed 0.00010; ExAC 0.00014.
gnomAD v4.1: 133 of 1,613,812 alleles (0.0082%); highest among the groups gnomAD compares: Non-Finnish European, 0.0022%; no homozygotes.

Submissions (5):

Labcorp Genetics (formerly Invitae), Labcorp
Classification: Likely benign for Charcot-Marie-Tooth disease type 4. Last evaluated: 2025-10-14. Review status: criteria provided, single submitter. Criteria: Invitae Variant Classification Sherloc (09022015). Collection method: clinical testing. Allele origin: germline.

PreventionGenetics, part of Exact Sciences
Classification: Likely benign for PRX-related condition. Last evaluated: 2025-09-03. Review status: criteria provided, single submitter. Criteria: ACMG Guidelines, 2015. Collection method: clinical testing. Allele origin: germline.
Comment: This variant is classified as likely benign based on ACMG/AMP sequence variant interpretation guidelines (Richards et al. 2015 PMID: 25741868, with internal and published modifications).

Ambry Genetics
Classification: Likely benign for Inborn genetic diseases. Last evaluated: 2023-04-03. Review status: criteria provided, single submitter. Criteria: Ambry Variant Classification Scheme 2023. Collection method: clinical testing. Allele origin: germline.

GeneDx
Classification: Uncertain significance. Last evaluated: 2022-05-05. Review status: criteria provided, single submitter. Criteria: GeneDx Variant Classification Process June 2021. Collection method: clinical testing. Allele origin: germline. Affected: yes.
Comment: In silico analysis supports that this missense variant does not alter protein structure/function; Has not been previously published as pathogenic or benign to our knowledge

Molecular Genetics Laboratory, London Health Sciences Centre
Classification: Likely benign for Charcot-Marie-Tooth disease. Review status: criteria provided, single submitter. Criteria: ACMG Guidelines, 2015. Collection method: clinical testing. Allele origin: germline. Affected: yes.

Literature cited by the submitters: PubMed 25614874 (cited by Ambry Genetics).

NM_181882.3(PRX):c.1129G>T (p.Val377Leu)

Gene: PRX (periaxin; minus strand). Cytogenetic location: 19q13.2.
Variant type: single nucleotide variant.
Coding change: c.1129G>T on transcript NM_181882.3 (MANE Select); coding-DNA position 1129, G replaced by T.
Protein change: p.Val377Leu; replaces valine 377 with leucine.
Molecular consequence: missense variant. On other transcripts: 3 prime UTR variant (1).
Genome position (GRCh38, 1-based): chr19:40,397,223, C>A on the plus strand (G>T on the coding strand, the complement: PRX is on the minus strand). VCF-style: chr19-40397223-C-A. GRCh37 (hg19) VCF-style: chr19-40903130-C-A.
Other names: c.*1334G>T (NM_020956.2); short protein forms V377L.
Identifiers: ClinVar variation 543498 (VCV000543498.19), dbSNP rs754081921, ClinGen allele CA9444320.
Genomic context (GRCh38, chr19:40,397,223, plus strand): 5'-CAAAGGTGGGCATTCGAAGTCTGGGACCTTTCACCCTGGCCTCAGGGCTGACCTTGGCTA[C>A]CTTGGCCTCAGCAACTTCCTTTGCTCGAGCCCCAAATCGGGGAAAACTAAGGCGGGGCAT-3'
Protein context (NP_870998.2, residues 367-387): ARAKEVAEAK[Val377Leu]AKVSPEARVK